The following is an entry in ClinVar:

ClinVar aggregate classification (germline): Uncertain significance (1 of 4 stars; one submission).

Conditions:
Hereditary cancer-predisposing syndrome. Also called: Neoplastic Syndromes, Hereditary; Tumor predisposition; Hereditary Cancer Syndrome; Hereditary neoplastic syndrome. Identifiers: Orphanet 140162, MedGen C0027672, MeSH D009386, MONDO:0015356.

Submission:

Ambry Genetics
Classification: Uncertain significance for Hereditary cancer-predisposing syndrome. Last evaluated: 2026-01-05. Review status: criteria provided, single submitter. Criteria: Ambry Variant Classification Scheme 2023. Collection method: clinical testing. Allele origin: germline.
Comment: The c.2079_2080delGA variant, located in coding exon 19 of the POLE gene, results from a deletion of two nucleotides at nucleotide positions 2079 to 2080, causing a translational frameshift with a predicted alternate stop codon (p.K694Vfs*15). This alteration is expected to result in loss of function by premature protein truncation or nonsense-mediated mRNA decay. Although biallelic loss of function of POLE has been associated with autosomal recessive POLE deficiency, haploinsufficiency of POLE has not been established as a mechanism of disease for POLE-related polymerase proofreading-associated polyposis (PPAP) and POLE-related CMMRD-like syndrome. Based on the supporting evidence, this variant is expected to be causative of POLE deficiency when present along with a second pathogenic variant on the other allele; however, its clinical significance for PPAP and POLE-related CMMRD-like syndrome is unclear.

NM_006231.4(POLE):c.2079_2080del (p.Lys694fs)

Gene: POLE (DNA polymerase epsilon, catalytic subunit; minus strand). Cytogenetic location: 12q24.33.
Variant type: Microsatellite.
Coding change: c.2079_2080del on transcript NM_006231.4 (MANE Select); coding-DNA positions 2079 to 2080, 2 bases deleted (GA; older notation c.2079_2080delGA).
Protein change: p.Lys694fs; shifts the reading frame from lysine 694.
Molecular consequence: frameshift variant.
Genome position (GRCh38, 1-based): chr12:132,668,449-132,668,450, TC deleted on the plus strand (GA on the coding strand, the reverse complement: POLE is on the minus strand); deleting any 2 consecutive bases within chr12:132,668,449-132,668,453 gives the same sequence; the c. name uses the placement nearest the transcript's 3' end. VCF-style (leftmost placement, unchanged base first): chr12-132668448-TTC-T. GRCh37 (hg19) VCF-style: chr12-133245034-TTC-T.
Other names: short protein forms K694fs.
Identifiers: ClinVar variation 4841505 (VCV004841505.1).